The following is an entry in ClinVar:

ClinVar aggregate classification (germline): Likely pathogenic (0 of 4 stars; one submission).

Conditions:
Progressive myoclonic epilepsy type 3. Also called: KCTD7-Related Progressive Myoclonic Epilepsy; EPILEPSY, PROGRESSIVE MYOCLONIC, 3, WITH OR WITHOUT INTRACELLULAR INCLUSIONS; CEROID LIPOFUSCINOSIS, NEURONAL, 14; EPILEPSY, PROGRESSIVE MYOCLONIC, 3, WITHOUT INTRACELLULAR INCLUSIONS. Identifiers: Orphanet 263516, MedGen C2673257, MONDO:0012721, OMIM 611726.

Allele frequency attached by ClinVar (database versions not stated): gnomAD exomes below 0.00001.
gnomAD v4.1: 7 of 1,614,132 alleles (0.00043%); highest among the groups gnomAD compares: Non-Finnish European, 0.00059%; no homozygotes.

Submission:

Gene Discovery Core-Manton Center, Boston Children's Hospital
Classification: Likely pathogenic for Progressive myoclonic epilepsy type 3. Last evaluated: 2020-02-14. Review status: no assertion criteria provided. Collection method: research. Allele origin: germline. Affected: yes.
Comment: This variant is interpretted as likely pathogenic for Epilepsy, progressive myoclonic 3, with or without intracellular inclusions; Autsomal Recessive. PM2 - Absent from controls (or at extremely low frequency if recessive) in Exome Sequencing Project, 1000 Genomes Project, or Exome Aggregation Consortium. PP2 - Missense variant in a gene that has a low rate of benign missense variation and in which missense variants are a common mechanism of disease (PMID: 30295347). PP3 - Multiple lines of computational evidence support a deleterious effect on the gene or gene product.

NM_153033.5(KCTD7):c.685G>T (p.Asp229Tyr)

Gene: KCTD7 (potassium channel tetramerization domain containing 7; plus strand). Cytogenetic location: 7q11.21.
Variant type: single nucleotide variant.
Coding change: c.685G>T on transcript NM_153033.5 (MANE Select); coding-DNA position 685, G replaced by T.
Protein change: p.Asp229Tyr; replaces aspartic acid 229 with tyrosine.
Molecular consequence: missense variant.
Genome position (GRCh38, 1-based): chr7:66,639,047, G>T. VCF-style: chr7-66639047-G-T. GRCh37 (hg19) VCF-style: chr7-66104034-G-T.
Other names: c.685G>T, p.Asp229Tyr (NM_001167961.2); short protein forms D229Y.
Identifiers: ClinVar variation 1188829 (VCV001188829.1), dbSNP rs2116775490, ClinGen allele CA367697240.